The following is an entry in ClinVar:

ClinVar aggregate classification (germline): Benign/Likely benign. Review status: criteria provided, multiple submitters, no conflicts (2 of 4 stars). 8 submissions from 8 submitters: Benign (4); Likely benign (4). Last evaluated 2026-02-01.

Conditions:
FLNB-Related Spectrum Disorders.

Allele frequency attached by ClinVar (database versions not stated): 1000 Genomes Project 0.00319; ESP Exome Variant Server 0.00323; 1000 Genomes Project 30x 0.00328; TOPMed 0.00337; gnomAD 0.00360.
gnomAD v4.1: 983 of 1,614,066 alleles (0.061%); highest among the groups gnomAD compares: African/African-American, 1.2%; 4 homozygotes.

Submissions (8):

Labcorp Genetics (formerly Invitae), Labcorp
Classification: Benign. Last evaluated: 2026-02-01. Review status: criteria provided, single submitter. Criteria: Invitae Variant Classification Sherloc (09022015). Collection method: clinical testing. Allele origin: germline.

CeGaT Center for Human Genetics Tuebingen
Classification: Likely benign. Last evaluated: 2025-05-01. Review status: criteria provided, single submitter. Criteria: CeGaT Center For Human Genetics Tuebingen Variant Classification Criteria Version 2. Collection method: clinical testing. Allele origin: germline. Affected: yes. Observed: 1 variant allele.
Comment: FLNB: BP4, BP7, BS1

Blueprint Genetics
Classification: Likely benign. Last evaluated: 2024-10-31. Review status: criteria provided, single submitter. Criteria: ACMG Guidelines, 2015. Collection method: clinical testing. Allele origin: germline.

ARUP Laboratories, Molecular Genetics and Genomics, ARUP Laboratories
Classification: Benign. Last evaluated: 2024-02-29. Review status: criteria provided, single submitter. Criteria: ARUP Molecular Germline Variant Investigation Process 2024. Collection method: clinical testing. Allele origin: germline.

GeneDx
Classification: Benign. Last evaluated: 2018-08-20. Review status: criteria provided, single submitter. Criteria: GeneDx Variant Classification Process June 2021. Collection method: clinical testing. Allele origin: germline. Affected: yes.

Illumina Laboratory Services, Illumina
Classification: Likely benign for FLNB-Related Spectrum Disorders. Last evaluated: 2018-01-13. Review status: criteria provided, single submitter. Criteria: ICSL Variant Classification Criteria 13 December 2019. Collection method: clinical testing. Allele origin: germline.
Comment: This variant was observed in the ICSL laboratory as part of a predisposition screen in an ostensibly healthy population. It had not been previously curated by ICSL or reported in the Human Gene Mutation Database (HGMD: prior to June 1st, 2018), and was therefore a candidate for classification through an automated scoring system. Utilizing variant allele frequency, disease prevalence and penetrance estimates, and inheritance mode, an automated score was calculated to assess if this variant is too frequent to cause the disease. Based on the score and internal cut-off values, a variant classified as likely benign is not then subjected to further curation. The score for this variant resulted in a classification of likely benign for this disease.

Eurofins Ntd Llc (ga)
Classification: Benign. Last evaluated: 2017-04-19. Review status: criteria provided, single submitter. Criteria: EGL Classification Definitions 2015. Collection method: clinical testing. Allele origin: germline. Observed: 1 variant allele, 1 heterozygote.

Breakthrough Genomics
Classification: Likely benign. Review status: criteria provided, single submitter. Criteria: ACMG Guidelines, 2015. Collection method: not provided. Allele origin: germline. Inheritance: Autosomal recessive inheritance. Affected: yes.

NM_001457.4(FLNB):c.2382C>T (p.Asp794=)

Gene: FLNB (filamin B; plus strand). Cytogenetic location: 3p14.3.
Variant type: single nucleotide variant.
Coding change: c.2382C>T on transcript NM_001457.4 (MANE Select); coding-DNA position 2382, C replaced by T.
Protein change: p.Asp794=; no amino-acid change (aspartic acid 794 retained).
Molecular consequence: synonymous variant.
Genome position (GRCh38, 1-based): chr3:58,110,068, C>T. VCF-style: chr3-58110068-C-T. GRCh37 (hg19) VCF-style: chr3-58095795-C-T.
Other names: c.2382C>T, p.Asp794= (NM_001164317.2, NM_001164318.2, NM_001164319.2).
Identifiers: ClinVar variation 346322 (VCV000346322.34), dbSNP rs146159035, ClinGen allele CA2468110.